The following is an entry in ClinVar:

ClinVar aggregate classification (germline): Uncertain significance. Review status: criteria provided, multiple submitters, no conflicts (2 of 4 stars). 2 submissions from 2 submitters: Uncertain significance (2). Last evaluated 2025-08-11.

Conditions:
Inborn genetic diseases. Identifiers: MedGen C0950123, MeSH D030342.

Submissions (2):

Ambry Genetics
Classification: Uncertain significance for Inborn genetic diseases. Last evaluated: 2025-08-11. Review status: criteria provided, single submitter. Criteria: Ambry Variant Classification Scheme 2023. Collection method: clinical testing. Allele origin: germline.
Comment: The p.E338G variant (also known as c.1013A>G), located in coding exon 6 of the ERCC6L2 gene, results from an A to G substitution at nucleotide position 1013. The glutamic acid at codon 338 is replaced by glycine, an amino acid with similar properties. This amino acid position is conserved. In addition, this alteration is predicted to be deleterious by in silico analysis. Based on the available evidence, the clinical significance of this variant remains unclear.

Labcorp Genetics (formerly Invitae), Labcorp
Classification: Uncertain significance. Last evaluated: 2025-07-03. Review status: criteria provided, single submitter. Criteria: Invitae Variant Classification Sherloc (09022015). Collection method: clinical testing. Allele origin: germline.
Comment: This sequence change replaces glutamic acid, which is acidic and polar, with glycine, which is neutral and non-polar, at codon 349 of the ERCC6L2 protein (p.Glu349Gly). This variant is not present in population databases (gnomAD no frequency). This variant has not been reported in the literature in individuals affected with ERCC6L2-related conditions. Experimental studies and prediction algorithms are not available or were not evaluated, and the functional significance of this variant is currently unknown. In summary, the available evidence is currently insufficient to determine the role of this variant in disease. Therefore, it has been classified as a Variant of Uncertain Significance.

NM_020207.7(ERCC6L2):c.1013A>G (p.Glu338Gly)

Gene: ERCC6L2 (ERCC excision repair 6 like 2; plus strand). Cytogenetic location: 9q22.32.
Variant type: single nucleotide variant.
Coding change: c.1013A>G on transcript NM_020207.7 (MANE Select); coding-DNA position 1013, A replaced by G.
Protein change: p.Glu338Gly; replaces glutamic acid 338 with glycine.
Molecular consequence: missense variant. On other transcripts: non-coding transcript variant (1).
Genome position (GRCh38, 1-based): chr9:95,916,289, A>G. VCF-style: chr9-95916289-A-G. GRCh37 (hg19) VCF-style: chr9-98678571-A-G.
Other names: c.1013A>G, p.Glu338Gly (NM_001010895.4, NM_001375291.1, NM_001375292.1 and 2 more transcripts); short protein forms E338G.
Identifiers: ClinVar variation 4250622 (VCV004250622.2).